The following is an entry in ClinVar:

ClinVar aggregate classification (germline): Likely pathogenic (1 of 4 stars; one submission).

Conditions:
Congenital contractural arachnodactyly (CCA). Also called: Beals-Hecht syndrome; BEALS SYNDROME; Arthrogryposis, distal, type 9. Identifiers: Orphanet 115, MedGen C0220668, MONDO:0007363, OMIM 121050.

Submission:

Labcorp Genetics (formerly Invitae), Labcorp
Classification: Likely pathogenic for Congenital contractural arachnodactyly. Last evaluated: 2022-01-16. Review status: criteria provided, single submitter. Criteria: Invitae Variant Classification Sherloc (09022015). Collection method: clinical testing. Allele origin: germline.
Comment: This variant is not present in population databases (gnomAD no frequency). This sequence change replaces cysteine, which is neutral and slightly polar, with tyrosine, which is neutral and polar, at codon 1395 of the FBN2 protein (p.Cys1395Tyr). This variant has not been reported in the literature in individuals affected with FBN2-related conditions. In summary, the currently available evidence indicates that the variant is pathogenic, but additional data are needed to prove that conclusively. Therefore, this variant has been classified as Likely Pathogenic. This variant affects a cysteine residue located within an epidermal growth factor (EGF)–like domain of the FBN2 protein. Cysteine residues in these domains are involved in the formation of disulfide bridges critical for protein structure and stability (PMID: 3495735, 4750422, 16677079). In addition, missense substitutions within the FBN2 EGF-like domains affecting cysteine residues are overrepresented in patients with congenital contractural arachnodactyly (PMID: 18767143). Advanced modeling of protein sequence and biophysical properties (such as structural, functional, and spatial information, amino acid conservation, physicochemical variation, residue mobility, and thermodynamic stability) performed at Invitae indicates that this missense variant is expected to disrupt FBN2 protein function.

Literature cited by the submitters: PubMed 3495735; PubMed 4750422; PubMed 16677079; PubMed 18767143.

NM_001999.4(FBN2):c.4184G>A (p.Cys1395Tyr)

Gene: FBN2 (fibrillin 2; minus strand). Cytogenetic location: 5q23.3.
Variant type: single nucleotide variant.
Coding change: c.4184G>A on transcript NM_001999.4 (MANE Select); coding-DNA position 4184, G replaced by A.
Protein change: p.Cys1395Tyr; replaces cysteine 1395 with tyrosine.
Molecular consequence: missense variant.
Genome position (GRCh38, 1-based): chr5:128,332,950, C>T on the plus strand (G>A on the coding strand, the complement: FBN2 is on the minus strand). VCF-style: chr5-128332950-C-T. GRCh37 (hg19) VCF-style: chr5-127668642-C-T.
Other names: short protein forms C1395Y.
Identifiers: ClinVar variation 1509864 (VCV001509864.6), dbSNP rs886038935, ClinGen allele CA360754841.